The following is an entry in ClinVar:

ClinVar aggregate classification (germline): Conflicting classifications of pathogenicity. Review status: criteria provided, conflicting classifications (1 of 4 stars). 5 submissions from 5 submitters: Uncertain significance (2); Benign (1); Likely benign (2). Last evaluated 2026-01-26.

Conditions:
Hereditary cancer-predisposing syndrome. Also called: Hereditary neoplastic syndrome; Neoplastic Syndromes, Hereditary; Tumor predisposition; Hereditary Cancer Syndrome. Identifiers: Orphanet 140162, MedGen C0027672, MeSH D009386, MONDO:0015356.
Fanconi anemia complementation group J. Also called: BRIP1-Related Fanconi Anemia. Identifiers: Orphanet 84, MedGen C1836860, MONDO:0012187, OMIM 609054.
Familial cancer of breast. Also called: hereditary breast carcinoma; BREAST CANCER, FAMILIAL; Hereditary breast cancer. Identifiers: Orphanet 227535, MedGen C0346153, MONDO:0016419, OMIM 114480. Disease mechanism: loss of function.

Allele frequency attached by ClinVar (database versions not stated): TOPMed below 0.00001; gnomAD 0.00001; gnomAD exomes 0.00001.
gnomAD v4.1: 7 of 1,613,334 alleles (0.00043%); highest among the groups gnomAD compares: Non-Finnish European, 0.00059%; no homozygotes.

Submissions (5):

Labcorp Genetics (formerly Invitae), Labcorp
Classification: Likely benign for Familial cancer of breast; Fanconi anemia complementation group J. Last evaluated: 2026-01-26. Review status: criteria provided, single submitter. Criteria: Invitae Variant Classification Sherloc (09022015). Collection method: clinical testing. Allele origin: germline.

Quest Diagnostics Nichols Institute San Juan Capistrano
Classification: Uncertain significance. Last evaluated: 2025-03-26. Review status: criteria provided, single submitter. Criteria: Quest Diagnostics criteria. Collection method: clinical testing. Allele origin: unknown.
Comment: The BRIP1 c.2874A>T (p.Leu958=) synonymous variant has not been reported in individuals with BRIP1-related conditions in the published literature. The frequency of this variant in the general population (Genome Aggregation Database) is uninformative in the assessment of its pathogenicity. Analysis of this variant using software algorithms for the prediction of the effect of nucleotide changes on splicing yielded predictions that this variant does not affect BRIP1 mRNA splicing. Based on the available information, we are unable to determine the clinical significance of this variant.

Myriad Genetics, Inc.
Classification: Benign for Familial cancer of breast. Last evaluated: 2024-09-09. Review status: criteria provided, single submitter. Criteria: Myriad Autosomal Dominant, Autosomal Recessive and X-Linked Classification Criteria (2023). Collection method: clinical testing. Allele origin: unknown.
Comment: This variant is considered benign. This variant is a silent/synonymous amino acid change and it is not expected to impact splicing.

GeneDx
Classification: Uncertain significance. Last evaluated: 2023-05-04. Review status: criteria provided, single submitter. Criteria: GeneDx Variant Classification Process June 2021. Collection method: clinical testing. Allele origin: germline. Affected: yes.
Comment: Not observed at a significant frequency in large population cohorts (gnomAD); In silico analysis supports that this variant does not alter splicing; Has not been previously published as pathogenic or benign to our knowledge

Ambry Genetics
Classification: Likely benign for Hereditary cancer-predisposing syndrome. Last evaluated: 2015-11-19. Review status: criteria provided, single submitter. Criteria: Ambry Variant Classification Scheme 2023. Collection method: clinical testing. Allele origin: germline.

NM_032043.3(BRIP1):c.2874A>T (p.Leu958=)

Gene: BRIP1 (BRCA1 interacting DNA helicase 1; minus strand). Cytogenetic location: 17q23.2.
Variant type: single nucleotide variant.
Coding change: c.2874A>T on transcript NM_032043.3 (MANE Select); coding-DNA position 2874, A replaced by T.
Protein change: p.Leu958=; no amino-acid change (leucine 958 retained).
Molecular consequence: synonymous variant.
Genome position (GRCh38, 1-based): chr17:61,685,867, T>A on the plus strand (A>T on the coding strand, the complement: BRIP1 is on the minus strand). VCF-style: chr17-61685867-T-A. GRCh37 (hg19) VCF-style: chr17-59763228-T-A.
Identifiers: ClinVar variation 279711 (VCV000279711.21), dbSNP rs886041147, ClinGen allele CA10603311.